The following is an entry in ClinVar:

ClinVar aggregate classification (germline): Uncertain significance. Review status: criteria provided, multiple submitters, no conflicts (2 of 4 stars). 4 submissions from 4 submitters: Uncertain significance (4). Last evaluated 2025-05-01.

Conditions:
Hereditary cancer-predisposing syndrome. Also called: Hereditary neoplastic syndrome; Hereditary Cancer Syndrome; Neoplastic Syndromes, Hereditary; Tumor predisposition. Identifiers: Orphanet 140162, MedGen C0027672, MeSH D009386, MONDO:0015356.
Multiple endocrine neoplasia, type 2 (MEN2). Identifiers: Orphanet 653, MedGen C4048306, MONDO:0019003. Disease mechanism: gain of function.
Hirschsprung disease, susceptibility to, 1 (HSCR1). Also called: RET-Related Hirschsprung Disease. Identifiers: Orphanet 388, MedGen C3888239, MONDO:0007723, OMIM 142623.

Allele frequency attached by ClinVar (database versions not stated): ExAC 0.00001; gnomAD exomes 0.00001.
gnomAD v4.1: 2 of 1,613,522 alleles (0.00012%); highest among the groups gnomAD compares: Non-Finnish European, 0.00017%; no homozygotes.

Submissions (4):

Labcorp Genetics (formerly Invitae), Labcorp
Classification: Uncertain significance for Multiple endocrine neoplasia, type 2. Last evaluated: 2025-05-01. Review status: criteria provided, single submitter. Criteria: Invitae Variant Classification Sherloc (09022015). Collection method: clinical testing. Allele origin: germline.
Comment: This sequence change replaces aspartic acid, which is acidic and polar, with asparagine, which is neutral and polar, at codon 850 of the RET protein (p.Asp850Asn). This variant is present in population databases (rs772862503, gnomAD 0.002%). This variant has not been reported in the literature in individuals affected with RET-related conditions. ClinVar contains an entry for this variant (Variation ID: 229747). An algorithm developed to predict the effect of missense changes on protein structure and function (PolyPhen-2) suggests that this variant is likely to be disruptive. In summary, the available evidence is currently insufficient to determine the role of this variant in disease. Therefore, it has been classified as a Variant of Uncertain Significance.

Baylor Genetics
Classification: Uncertain significance for Hirschsprung disease, susceptibility to, 1. Last evaluated: 2024-01-30. Review status: criteria provided, single submitter. Criteria: ACMG Guidelines, 2015. Collection method: clinical testing. Allele origin: unknown.

Quest Diagnostics Nichols Institute San Juan Capistrano
Classification: Uncertain significance. Last evaluated: 2024-01-17. Review status: criteria provided, single submitter. Criteria: Quest Diagnostics criteria. Collection method: clinical testing. Allele origin: unknown.

Ambry Genetics
Classification: Uncertain significance for Hereditary cancer-predisposing syndrome. Last evaluated: 2014-12-01. Review status: criteria provided, single submitter. Criteria: Ambry Variant Classification Scheme 2023. Collection method: clinical testing. Allele origin: germline.
Comment: The p.D850N variant (also known as c.2548G>A), located in coding exon 14 of the RET gene, results from a G to A substitution at nucleotide position 2548. The aspartic acid at codon 850 is replaced by asparagine, an amino acid with highly similar properties. This variant was not reported in population based cohorts in the following databases: Database of Single Nucleotide Polymorphisms (dbSNP), NHLBI Exome Sequencing Project (ESP), and 1000 Genomes Project. In the ESP, this variant was not observed in 6503 samples (13006 alleles) with coverage at this position. To date, this alteration has been detected with an allele frequency of approximately 0.08% (greater than 1300 alleles tested) in our clinical cohort. Based on protein sequence alignment, this amino acid position is highly conserved in available vertebrate species. In addition, the in silico prediction for this alteration is inconclusive. Since supporting evidence is limited at this time, the clinical significance of p.D850N remains unclear.

Literature cited by the submitters: PubMed 35304525 (cited by Quest Diagnostics Nichols Institute San Juan Capistrano).

NM_020975.6(RET):c.2548G>A (p.Asp850Asn)

Gene: RET (ret proto-oncogene; plus strand). Cytogenetic location: 10q11.21.
Variant type: single nucleotide variant.
Coding change: c.2548G>A on transcript NM_020975.6 (MANE Select); coding-DNA position 2548, G replaced by A.
Protein change: p.Asp850Asn; replaces aspartic acid 850 with asparagine.
Molecular consequence: missense variant.
Genome position (GRCh38, 1-based): chr10:43,119,686, G>A. VCF-style: chr10-43119686-G-A. GRCh37 (hg19) VCF-style: chr10-43615134-G-A.
Other names: c.1243G>A, p.Asp415Asn (NM_001406791.1); c.2548G>A, p.Asp850Asn (NM_020630.7, NM_020629.2, NM_000323.2 and 4 more transcripts); c.1099G>A, p.Asp367Asn (NM_001406792.1, NM_001406793.1, NM_001406794.1); c.1786G>A, p.Asp596Asn (NM_001355216.2); c.2419G>A, p.Asp807Asn (NM_001406761.1, NM_001406762.1, NM_001406764.1); c.2413G>A, p.Asp805Asn (NM_001406763.1, NM_001406765.1); c.2260G>A, p.Asp754Asn (NM_001406766.1, NM_001406767.1, NM_001406770.1); c.2284G>A, p.Asp762Asn (NM_001406768.1); and 10 more; short protein forms D850N, D596N, D551N, D608N, D675N, D762N, D506N, D367N.
Identifiers: ClinVar variation 229747 (VCV000229747.16), dbSNP rs772862503, ClinGen allele CA039763.